The following is an entry in ClinVar:

ClinVar aggregate classification (germline): Uncertain significance (1 of 4 stars; one submission).

Submission:

GeneDx
Classification: Uncertain significance. Last evaluated: 2019-07-05. Review status: criteria provided, single submitter. Criteria: GeneDx Variant Classification Process June 2021. Collection method: clinical testing. Allele origin: germline. Affected: yes.
Comment: Not observed in large population cohorts (Lek et al., 2016); In silico analysis, which includes protein predictors and evolutionary conservation, supports that this variant does not alter protein structure/function; In-silico analysis, which includes splice predictors and evolutionary conservation, is inconclusive as to whether the variant alters gene splicing. In the absence of RNA/functional studies, the actual effect of this sequence change is unknown; Has not been previously published as pathogenic or benign to our knowledge

NM_133433.4(NIPBL):c.5009T>G (p.Val1670Gly)

Gene: NIPBL (NIPBL cohesin loading factor; plus strand). Cytogenetic location: 5p13.2.
Variant type: single nucleotide variant.
Coding change: c.5009T>G on transcript NM_133433.4 (MANE Select); coding-DNA position 5009, T replaced by G.
Protein change: p.Val1670Gly; replaces valine 1670 with glycine.
Molecular consequence: missense variant.
Genome position (GRCh38, 1-based): chr5:37,019,399, T>G. VCF-style: chr5-37019399-T-G. GRCh37 (hg19) VCF-style: chr5-37019501-T-G.
Other names: c.5009T>G, p.Val1670Gly (NM_015384.5); short protein forms V1670G.
Identifiers: ClinVar variation 1306612 (VCV001306612.2), dbSNP rs2149695130, ClinGen allele CA359486074.